The following is an entry in ClinVar:

ClinVar aggregate classification (germline): Uncertain significance (1 of 4 stars; one submission).

Submission:

Greenwood Genetic Center Diagnostic Laboratories, Greenwood Genetic Center
Classification: Uncertain significance. Last evaluated: 2023-06-29. Review status: criteria provided, single submitter. Criteria: ACMG Guidelines, 2015. Collection method: clinical testing. Allele origin: germline. Affected: yes.
Comment: Gene of Uncertain Significance

NM_015104.3(ATG2A):c.3131A>C (p.His1044Pro)

Gene: ATG2A (autophagy related 2A; minus strand). Cytogenetic location: 11q13.1.
Variant type: single nucleotide variant.
Coding change: c.3131A>C on transcript NM_015104.3 (MANE Select); coding-DNA position 3131, A replaced by C.
Protein change: p.His1044Pro; replaces histidine 1044 with proline.
Molecular consequence: missense variant.
Genome position (GRCh38, 1-based): chr11:64,906,386, T>G on the plus strand (A>C on the coding strand, the complement: ATG2A is on the minus strand). VCF-style: chr11-64906386-T-G. GRCh37 (hg19) VCF-style: chr11-64673858-T-G.
Other names: c.3107A>C, p.His1036Pro (NM_001367971.1, NM_001367972.1); short protein forms H1036P, H1044P.
Identifiers: ClinVar variation 2572303 (VCV002572303.1), dbSNP rs2498016020, ClinGen allele CA381177908.
Genomic context (GRCh38, chr11:64,906,386, plus strand): 5'-GCCCATACCTTCACATTCTTGTGGGGGTCCAGGTGGATGCGCACAGCAGTGGACAACATG[T>G]GGGGTCCCCGGCCCTGGCCCTTGCGGCCCGAGGCTCCCCGCTCGGTCACCCCTTCCTCCG-3'
Protein context (NP_055919.2, residues 1034-1054): SGRKGQGRGP[His1044Pro]MLSTAVRIHL